The following is an entry in ClinVar:

NM_001130144.3(LTBP3):c.17G>A (p.Gly6Glu)

Gene: LTBP3 (latent transforming growth factor beta binding protein 3; minus strand). Cytogenetic location: 11q13.1.
Variant type: single nucleotide variant.
Coding change: c.17G>A on transcript NM_001130144.3 (MANE Select); coding-DNA position 17, G replaced by A.
Protein change: p.Gly6Glu; replaces glycine 6 with glutamic acid.
Molecular consequence: missense variant. On other transcripts: 5 prime UTR variant (1).
Genome position (GRCh38, 1-based): chr11:65,557,943, C>T on the plus strand (G>A on the coding strand, the complement: LTBP3 is on the minus strand). VCF-style: chr11-65557943-C-T. GRCh37 (hg19) VCF-style: chr11-65325414-C-T.
Other names: c.-331G>A (NM_001164266.1); c.17G>A, p.Gly6Glu (NM_021070.4); short protein forms G6E.
Identifiers: ClinVar variation 3650428 (VCV003650428.2).

ClinVar aggregate classification (germline): Uncertain significance (1 of 4 stars; one submission).

Conditions:
Brachyolmia-amelogenesis imperfecta syndrome. Also called: PLATYSPONDYLY WITH AMELOGENESIS IMPERFECTA; Tooth agenesis, selective, 6; Dental anomalies and short stature. Identifiers: Orphanet 2899, MedGen C1832594, MONDO:0011018, OMIM 601216. Disease mechanism: loss of function.

Submission:

Labcorp Genetics (formerly Invitae), Labcorp
Classification: Uncertain significance for Brachyolmia-amelogenesis imperfecta syndrome. Last evaluated: 2024-04-26. Review status: criteria provided, single submitter. Criteria: Invitae Variant Classification Sherloc (09022015). Collection method: clinical testing. Allele origin: germline.
Comment: This sequence change replaces glycine, which is neutral and non-polar, with glutamic acid, which is acidic and polar, at codon 6 of the LTBP3 protein (p.Gly6Glu). This variant is not present in population databases (gnomAD no frequency). This variant has not been reported in the literature in individuals affected with LTBP3-related conditions. Experimental studies and prediction algorithms are not available or were not evaluated, and the functional significance of this variant is currently unknown. In summary, the available evidence is currently insufficient to determine the role of this variant in disease. Therefore, it has been classified as a Variant of Uncertain Significance.